The following is an entry in ClinVar:

ClinVar aggregate classification (germline): Uncertain significance (1 of 4 stars; one submission).

Allele frequency attached by ClinVar (database versions not stated): TOPMed 0.00007; ESP Exome Variant Server 0.00015.
gnomAD v4.1: 58 of 1,614,004 alleles (0.0036%); highest among the groups gnomAD compares: African/African-American, 0.012%; no homozygotes.

Submission:

Labcorp Genetics (formerly Invitae), Labcorp
Classification: Uncertain significance. Last evaluated: 2022-06-03. Review status: criteria provided, single submitter. Criteria: Invitae Variant Classification Sherloc (09022015). Collection method: clinical testing. Allele origin: germline.
Comment: This sequence change replaces threonine, which is neutral and polar, with methionine, which is neutral and non-polar, at codon 691 of the ARHGEF10 protein (p.Thr691Met). This variant is present in population databases (rs147544189, gnomAD 0.02%). This variant has not been reported in the literature in individuals affected with ARHGEF10-related conditions. ClinVar contains an entry for this variant (Variation ID: 1504332). Algorithms developed to predict the effect of missense changes on protein structure and function (SIFT, PolyPhen-2, Align-GVGD) all suggest that this variant is likely to be tolerated. In summary, the available evidence is currently insufficient to determine the role of this variant in disease. Therefore, it has been classified as a Variant of Uncertain Significance.

NM_014629.4(ARHGEF10):c.2072C>T (p.Thr691Met)

Gene: ARHGEF10 (Rho guanine nucleotide exchange factor 10; plus strand). Cytogenetic location: 8p23.3.
Variant type: single nucleotide variant.
Coding change: c.2072C>T on transcript NM_014629.4 (MANE Select); coding-DNA position 2072, C replaced by T.
Protein change: p.Thr691Met; replaces threonine 691 with methionine.
Molecular consequence: missense variant.
Genome position (GRCh38, 1-based): chr8:1,909,399, C>T. VCF-style: chr8-1909399-C-T. GRCh37 (hg19) VCF-style: chr8-1857565-C-T.
Other names: c.1958C>T, p.Thr653Met (NM_001308152.2); c.2072C>T, p.Thr691Met (NM_001308153.3); short protein forms T691M, T715M, T653M.
Identifiers: ClinVar variation 1504332 (VCV001504332.6), dbSNP rs147544189, ClinGen allele CA4600698.